The following is an entry in ClinVar:

ClinVar aggregate classification (germline): Uncertain significance (1 of 4 stars; one submission).

Conditions:
Hereditary cancer-predisposing syndrome. Also called: Neoplastic Syndromes, Hereditary; Tumor predisposition; Hereditary Cancer Syndrome; Hereditary neoplastic syndrome. Identifiers: Orphanet 140162, MedGen C0027672, MeSH D009386, MONDO:0015356.

gnomAD v4.1: 1 of 1,612,578 alleles (0.000062%); highest among the groups gnomAD compares: Non-Finnish European, 0.000085%; no homozygotes.

Submission:

Ambry Genetics
Classification: Uncertain significance for Hereditary cancer-predisposing syndrome. Last evaluated: 2025-11-24. Review status: criteria provided, single submitter. Criteria: Ambry Variant Classification Scheme 2023. Collection method: clinical testing. Allele origin: germline.
Comment: The p.C333W variant (also known as c.999C>G), located in coding exon 8 of the EGFR gene, results from a C to G substitution at nucleotide position 999. The cysteine at codon 333 is replaced by tryptophan, an amino acid with highly dissimilar properties. This amino acid position is conserved. In addition, this alteration is predicted to be deleterious by in silico analysis. Based on the available evidence, the clinical significance of this variant remains unclear.

NM_005228.5(EGFR):c.999C>G (p.Cys333Trp)

Gene: EGFR (epidermal growth factor receptor; plus strand). Cytogenetic location: 7p11.2.
Variant type: single nucleotide variant.
Coding change: c.999C>G on transcript NM_005228.5 (MANE Select); coding-DNA position 999, C replaced by G.
Protein change: p.Cys333Trp; replaces cysteine 333 with tryptophan.
Molecular consequence: missense variant.
Genome position (GRCh38, 1-based): chr7:55,155,939, C>G. VCF-style: chr7-55155939-C-G. GRCh37 (hg19) VCF-style: chr7-55223632-C-G.
Other names: c.864C>G, p.Cys288Trp (NM_001346897.2, NM_001346899.2); c.999C>G, p.Cys333Trp (NM_001346898.2, NM_201282.2, NM_201283.2 and 1 more transcripts); c.840C>G, p.Cys280Trp (NM_001346900.2); c.198C>G, p.Cys66Trp (NM_001346941.2); short protein forms C280W, C333W, C288W, C66W.
Identifiers: ClinVar variation 4639791 (VCV004639791.1).
Genomic context (GRCh38, chr7:55,155,939, plus strand): 5'-CGACAGCTATGAGATGGAGGAAGACGGCGTCCGCAAGTGTAAGAAGTGCGAAGGGCCTTG[C>G]CGCAAAGGTAGGAAGCCCGCCGGTGTGCGGACGAGGCTTGTTCTCGGCTGCTGAGGCTGG-3'
Protein context (NP_005219.2, residues 323-343): VRKCKKCEGP[Cys333Trp]RKVCNGIGIG